The following is an entry in ClinVar:

NM_002858.4(ABCD3):c.1163C>G (p.Thr388Ser)

Gene: ABCD3 (ATP binding cassette subfamily D member 3; plus strand). Cytogenetic location: 1p21.3.
Variant type: single nucleotide variant.
Coding change: c.1163C>G on transcript NM_002858.4 (MANE Select); coding-DNA position 1163, C replaced by G.
Protein change: p.Thr388Ser; replaces threonine 388 with serine.
Molecular consequence: missense variant.
Genome position (GRCh38, 1-based): chr1:94,489,730, C>G. VCF-style: chr1-94489730-C-G. GRCh37 (hg19) VCF-style: chr1-94955286-C-G.
Other names: short protein forms T388S.
Identifiers: ClinVar variation 3614599 (VCV003614599.2).

ClinVar aggregate classification (germline): Uncertain significance (1 of 4 stars; one submission).

gnomAD v4.1: 4 of 1,611,918 alleles (0.00025%); highest among the groups gnomAD compares: Admixed American, 0.0067%; no homozygotes.

Submission:

Labcorp Genetics (formerly Invitae), Labcorp
Classification: Uncertain significance. Last evaluated: 2024-11-04. Review status: criteria provided, single submitter. Criteria: Invitae Variant Classification Sherloc (09022015). Collection method: clinical testing. Allele origin: germline.
Comment: This sequence change replaces threonine, which is neutral and polar, with serine, which is neutral and polar, at codon 388 of the ABCD3 protein (p.Thr388Ser). This variant is present in population databases (no rsID available, gnomAD 0.009%). This variant has not been reported in the literature in individuals affected with ABCD3-related conditions. An algorithm developed to predict the effect of missense changes on protein structure and function (PolyPhen-2) suggests that this variant is likely to be disruptive. In summary, the available evidence is currently insufficient to determine the role of this variant in disease. Therefore, it has been classified as a Variant of Uncertain Significance.